The following is an entry in ClinVar:

ClinVar aggregate classification (germline): Uncertain significance (1 of 4 stars; one submission).

Allele frequency attached by ClinVar (database versions not stated): ExAC 0.00003.
gnomAD v4.1: 12 of 1,613,188 alleles (0.00074%); highest among the groups gnomAD compares: Admixed American, 0.018%; no homozygotes.

Submission:

Labcorp Genetics (formerly Invitae), Labcorp
Classification: Uncertain significance. Last evaluated: 2022-04-30. Review status: criteria provided, single submitter. Criteria: Invitae Variant Classification Sherloc (09022015). Collection method: clinical testing. Allele origin: germline.
Comment: This sequence change replaces glycine, which is neutral and non-polar, with valine, which is neutral and non-polar, at codon 441 of the DMXL2 protein (p.Gly441Val). This variant is present in population databases (rs762302730, gnomAD 0.03%). This variant has not been reported in the literature in individuals affected with DMXL2-related conditions. Algorithms developed to predict the effect of missense changes on protein structure and function are either unavailable or do not agree on the potential impact of this missense change (SIFT: "Deleterious"; PolyPhen-2: "Probably Damaging"; Align-GVGD: "Class C15"). In summary, the available evidence is currently insufficient to determine the role of this variant in disease. Therefore, it has been classified as a Variant of Uncertain Significance.

NM_001378457.1(DMXL2):c.1322G>T (p.Gly441Val)

Gene: DMXL2 (Dmx like 2; minus strand). Cytogenetic location: 15q21.2.
Variant type: single nucleotide variant.
Coding change: c.1322G>T on transcript NM_001378457.1 (MANE Select); coding-DNA position 1322, G replaced by T.
Protein change: p.Gly441Val; replaces glycine 441 with valine.
Molecular consequence: missense variant. On other transcripts: non-coding transcript variant (2), intron variant (1).
Genome position (GRCh38, 1-based): chr15:51,538,236, C>A on the plus strand (G>T on the coding strand, the complement: DMXL2 is on the minus strand). VCF-style: chr15-51538236-C-A. GRCh37 (hg19) VCF-style: chr15-51830433-C-A.
Other names: c.1322G>T, p.Gly441Val (NM_001174116.3, NM_001174117.3, NM_001378458.1 and 6 more transcripts); c.1106-477G>T (NM_001378464.1); short protein forms G441V.
Identifiers: ClinVar variation 2168822 (VCV002168822.1), dbSNP rs762302730, ClinGen allele CA7562624.